The following is an entry in ClinVar:

NM_002661.5(PLCG2):c.3226C>T (p.Leu1076Phe)

Gene: PLCG2 (phospholipase C gamma 2; plus strand). Cytogenetic location: 16q23.3.
Variant type: single nucleotide variant.
Coding change: c.3226C>T on transcript NM_002661.5 (MANE Select); coding-DNA position 3226, C replaced by T.
Protein change: p.Leu1076Phe; replaces leucine 1076 with phenylalanine.
Molecular consequence: missense variant.
Genome position (GRCh38, 1-based): chr16:81,938,828, C>T. VCF-style: chr16-81938828-C-T. GRCh37 (hg19) VCF-style: chr16-81972433-C-T.
Other names: c.3226C>T, p.Leu1076Phe (NM_001425749.1, NM_001425750.1, NM_001425751.1); short protein forms L1076F.
Identifiers: ClinVar variation 3654506 (VCV003654506.2).

ClinVar aggregate classification (germline): Uncertain significance (1 of 4 stars; one submission).

Conditions:
Familial cold autoinflammatory syndrome 3 (FCAS3). Also called: FAMILIAL ATYPICAL COLD URTICARIA; ANTIBODY DEFICIENCY AND IMMUNE DYSREGULATION, PLCG2-ASSOCIATED. Identifiers: Orphanet 300359, MedGen C3280914, MONDO:0013766, OMIM 614468.

Submission:

Labcorp Genetics (formerly Invitae), Labcorp
Classification: Uncertain significance for Familial cold autoinflammatory syndrome 3. Last evaluated: 2025-01-09. Review status: criteria provided, single submitter. Criteria: Invitae Variant Classification Sherloc (09022015). Collection method: clinical testing. Allele origin: germline.
Comment: This sequence change replaces leucine, which is neutral and non-polar, with phenylalanine, which is neutral and non-polar, at codon 1076 of the PLCG2 protein (p.Leu1076Phe). This variant is not present in population databases (gnomAD no frequency). This variant has not been reported in the literature in individuals affected with PLCG2-related conditions. An algorithm developed to predict the effect of missense changes on protein structure and function (PolyPhen-2) suggests that this variant is likely to be tolerated. In summary, the available evidence is currently insufficient to determine the role of this variant in disease. Therefore, it has been classified as a Variant of Uncertain Significance.